The following is an entry in ClinVar:

NM_000368.5(TSC1):c.2749G>C (p.Ala917Pro)

Gene: TSC1 (TSC complex subunit 1; minus strand). Cytogenetic location: 9q34.13.
Variant type: single nucleotide variant.
Coding change: c.2749G>C on transcript NM_000368.5 (MANE Select); coding-DNA position 2749, G replaced by C.
Protein change: p.Ala917Pro; replaces alanine 917 with proline.
Molecular consequence: missense variant.
Genome position (GRCh38, 1-based): chr9:132,897,487, C>G on the plus strand (G>C on the coding strand, the complement: TSC1 is on the minus strand). VCF-style: chr9-132897487-C-G. GRCh37 (hg19) VCF-style: chr9-135772874-C-G.
Other names: c.2746G>C, p.Ala916Pro (NM_001162426.2); c.2596G>C, p.Ala866Pro (NM_001162427.2); c.2386G>C, p.Ala796Pro (NM_001362177.2); short protein forms A917P, A916P, A796P, A866P.
Identifiers: ClinVar variation 64828 (VCV000064828.17), dbSNP rs397514873, ClinGen allele CA006954.

ClinVar aggregate classification (germline): Uncertain significance. Review status: criteria provided, multiple submitters, no conflicts (2 of 4 stars). 6 submissions from 6 submitters: Uncertain significance (5). 1 of the submissions does not count toward it. Last evaluated 2025-12-31.

Conditions:
Hereditary cancer-predisposing syndrome. Also called: Hereditary Cancer Syndrome; Hereditary neoplastic syndrome; Neoplastic Syndromes, Hereditary; Tumor predisposition. Identifiers: Orphanet 140162, MedGen C0027672, MeSH D009386, MONDO:0015356.
Tuberous sclerosis 1 (TSC1). Identifiers: Orphanet 805, MedGen C1854465, MONDO:0008612, OMIM 191100.
Lymphangiomyomatosis (LAM). Also called: Lymphangioleiomyomatosis; Lymphangioleiomyomatosis, somatic. Identifiers: Orphanet 538, MedGen C0751674, MONDO:0011705, OMIM 606690.
Isolated focal cortical dysplasia type II (FCORD2). Also called: CORTICAL DYSPLASIA OF TAYLOR; Focal cortical dysplasia type II. Identifiers: Orphanet 268994, MedGen C1846385, MONDO:0011818, OMIM 607341, HP:0032051.
Tuberous sclerosis syndrome (TSC). Also called: Tuberous Sclerosis Complex; Tuberous sclerosis. Identifiers: Orphanet 805, MedGen C0041341, MONDO:0001734.

Allele frequency attached by ClinVar (database versions not stated): gnomAD exomes 0.00001.
gnomAD v4.1: 14 of 1,614,058 alleles (0.00087%); highest among the groups gnomAD compares: Non-Finnish European, 0.0012%; no homozygotes.

Submissions (6):

Ambry Genetics
Classification: Uncertain significance for Hereditary cancer-predisposing syndrome. Last evaluated: 2025-12-31. Review status: criteria provided, single submitter. Criteria: Ambry Variant Classification Scheme 2023. Collection method: clinical testing. Allele origin: germline.

Labcorp Genetics (formerly Invitae), Labcorp
Classification: Uncertain significance for Tuberous sclerosis 1. Last evaluated: 2025-08-26. Review status: criteria provided, single submitter. Criteria: Invitae Variant Classification Sherloc (09022015). Collection method: clinical testing. Allele origin: germline.
Comment: This sequence change replaces alanine, which is neutral and non-polar, with proline, which is neutral and non-polar, at codon 917 of the TSC1 protein (p.Ala917Pro). This variant is not present in population databases (gnomAD no frequency). This variant has not been reported in the literature in individuals affected with TSC1-related conditions. ClinVar contains an entry for this variant (Variation ID: 64828). Invitae Evidence Modeling of protein sequence and biophysical properties (such as structural, functional, and spatial information, amino acid conservation, physicochemical variation, residue mobility, and thermodynamic stability) indicates that this missense variant is not expected to disrupt TSC1 protein function with a negative predictive value of 95%. In summary, the available evidence is currently insufficient to determine the role of this variant in disease. Therefore, it has been classified as a Variant of Uncertain Significance.

Color Diagnostics, LLC DBA Color Health
Classification: Uncertain significance for Tuberous sclerosis syndrome. Last evaluated: 2025-06-17. Review status: criteria provided, single submitter. Criteria: ACMG Guidelines, 2015. Collection method: clinical testing. Allele origin: germline.
Comment: This missense variant replaces alanine with proline at codon 917 of the TSC1 protein. Computational prediction suggests that this variant may not impact protein structure and function. To our knowledge, functional studies have not been reported for this variant. This variant has not been reported in individuals affected with TSC1-related disorders in the literature. This variant has not been identified in the general population by the Genome Aggregation Database (gnomAD). The available evidence is insufficient to determine the role of this variant in disease conclusively. Therefore, this variant is classified as a Variant of Uncertain Significance.

Genome-Nilou Lab
Classification: Uncertain significance for Tuberous sclerosis 1. Last evaluated: 2021-11-07. Review status: criteria provided, single submitter. Criteria: ACMG Guidelines, 2015. Collection method: clinical testing. Allele origin: germline. Affected: no.

Fulgent Genetics
Classification: Uncertain significance for Tuberous sclerosis 1; Lymphangiomyomatosis; Isolated focal cortical dysplasia type II. Last evaluated: 2021-09-17. Review status: criteria provided, single submitter. Criteria: ACMG Guidelines, 2015. Collection method: clinical testing. Allele origin: unknown.

Tuberous sclerosis database (TSC1)
No classification provided. Condition: TSC. Review status: no classification provided. Criteria: Tuberous Sclerosis Database Assertion Criteria 2015. Collection method: curation. Allele origin: germline. Affected: yes. Not counted in ClinVar's aggregate classification.